The following is an entry in ClinVar:

ClinVar aggregate classification (germline): Uncertain significance (1 of 4 stars; one submission).

Allele frequency attached by ClinVar (database versions not stated): gnomAD exomes below 0.00001.
gnomAD v4.1: 2 of 1,612,462 alleles (0.00012%); highest among the groups gnomAD compares: Non-Finnish European, 0.00017%; no homozygotes.

Submission:

CeGaT Center for Human Genetics Tuebingen
Classification: Uncertain significance. Last evaluated: 2024-06-01. Review status: criteria provided, single submitter. Criteria: CeGaT Center For Human Genetics Tuebingen Variant Classification Criteria Version 2. Collection method: clinical testing. Allele origin: germline. Affected: yes. Observed: 1 variant allele.
Comment: SUZ12: PM2

NM_015355.4(SUZ12):c.1415G>A (p.Ser472Asn)

Gene: SUZ12 (SUZ12 polycomb repressive complex 2 subunit; plus strand). Cytogenetic location: 17q11.2.
Variant type: single nucleotide variant.
Coding change: c.1415G>A on transcript NM_015355.4 (MANE Select); coding-DNA position 1415, G replaced by A.
Protein change: p.Ser472Asn; replaces serine 472 with asparagine.
Molecular consequence: missense variant.
Genome position (GRCh38, 1-based): chr17:31,993,986, G>A. VCF-style: chr17-31993986-G-A. GRCh37 (hg19) VCF-style: chr17-30321005-G-A.
Other names: c.1346G>A, p.Ser449Asn (NM_001321207.2); short protein forms S449N, S472N.
Identifiers: ClinVar variation 3251134 (VCV003251134.18), dbSNP rs1909849932.